The following is an entry in ClinVar:

ClinVar aggregate classification (germline): Uncertain significance. Review status: criteria provided, single submitter (1 of 4 stars). 2 submissions from 2 submitters: Uncertain significance (1). 1 of the submissions does not count toward it. Last evaluated 2016-10-31.

Conditions:
Sjögren-Larsson syndrome (SLS). Also called: FALDH DEFICIENCY; FATTY ALCOHOL:NAD+ OXIDOREDUCTASE DEFICIENCY; FATTY ALDEHYDE DEHYDROGENASE DEFICIENCY; ICHTHYOSIS, SPASTIC NEUROLOGIC DISORDER, AND OLIGOPHRENIA. Identifiers: Orphanet 816, MedGen C0037231, MONDO:0010031, OMIM 270200.

Allele frequency attached by ClinVar (database versions not stated): 1000 Genomes Project below 0.00001; TOPMed 0.00001; ExAC 0.00004; gnomAD exomes 0.00004.
gnomAD v4.1: 44 of 1,613,946 alleles (0.0027%); highest among the groups gnomAD compares: South Asian, 0.048%; no homozygotes.

Submissions (2):

GeneDx
Classification: Uncertain significance. Last evaluated: 2016-10-31. Review status: criteria provided, single submitter. Criteria: GeneDx Variant Classification (06012015). Collection method: clinical testing. Allele origin: germline. Affected: yes.
Comment: The G382S variant in the ALDH3A2 gene has not been reported previously as a pathogenic variant, nor as a benign variant, to our knowledge. It was not observed in approximately 6,500 individuals of European and African American ancestry in the NHLBI Exome Sequencing Project, indicating it is not a common benign variant in these populations. G382S is a non-conservative amino acid substitution, which is likely to impact secondary protein structure as these residues differ in polarity, charge, size and/or other properties. This substitution occurs at a position that is conserved across species and in silico analysis predicts this variant is probably damaging to the protein structure/function. Missense variants in nearby residues (S380N, N386S) have been reported in the Human Gene Mutation Database in association with Sjoegren-Larsson syndrome (Stenson et al., 2014), supporting the functional importance of this region of the protein. Based on the limited data available for this variant, we interpret G382S as a variant of uncertain significance.

Natera, Inc.
Classification: Uncertain significance for Sjögren-Larsson syndrome. Last evaluated: 2021-09-02. Review status: no assertion criteria provided. Collection method: clinical testing. Allele origin: germline. Not counted in ClinVar's aggregate classification.

NM_000382.3(ALDH3A2):c.1144G>A (p.Gly382Ser)

Gene: ALDH3A2 (aldehyde dehydrogenase 3 family member A2; plus strand). Cytogenetic location: 17p11.2.
Variant type: single nucleotide variant.
Coding change: c.1144G>A on transcript NM_000382.3 (MANE Select); coding-DNA position 1144, G replaced by A.
Protein change: p.Gly382Ser; replaces glycine 382 with serine.
Molecular consequence: missense variant.
Genome position (GRCh38, 1-based): chr17:19,664,984, G>A. VCF-style: chr17-19664984-G-A. GRCh37 (hg19) VCF-style: chr17-19568297-G-A.
Other names: c.1144G>A, p.Gly382Ser (NM_001031806.2, NM_001369136.1, NM_001369137.2 and 3 more transcripts); c.565G>A, p.Gly189Ser (NM_001369148.2); short protein forms G382S, G189S.
Identifiers: ClinVar variation 390465 (VCV000390465.3), dbSNP rs565908396, ClinGen allele CA8443021.
Genomic context (GRCh38, chr17:19,664,984, plus strand): 5'-TGGACACCTTTGGTCTGTCCTCAGCTCATCAAACGGATGATTGATGAGACATCCAGTGGA[G>A]GTGTCACAGGCAATGACGTCATTATGCACTTCACGCTCAACTCTTTCCCATTTGGAGGAG-3'
Protein context (NP_000373.1, residues 372-392): KRMIDETSSG[Gly382Ser]VTGNDVIMHF